The following is an entry in ClinVar:

ClinVar aggregate classification (germline): Uncertain significance (1 of 4 stars; one submission).

Conditions:
Dilated cardiomyopathy 1W (CMD1W). Identifiers: Orphanet 154, MedGen C1969639, MONDO:0012667, OMIM 611407.

Submission:

Labcorp Genetics (formerly Invitae), Labcorp
Classification: Uncertain significance for Dilated cardiomyopathy 1W. Last evaluated: 2024-02-02. Review status: criteria provided, single submitter. Criteria: Invitae Variant Classification Sherloc (09022015). Collection method: clinical testing. Allele origin: germline.
Comment: This sequence change creates a premature translational stop signal (p.Ile1016Serfs*13) in the VCL gene. It is expected to result in an absent or disrupted protein product. However, the current clinical and genetic evidence is not sufficient to establish whether loss-of-function variants in VCL cause disease. This variant is not present in population databases (gnomAD no frequency). This variant has not been reported in the literature in individuals affected with VCL-related conditions. In summary, the available evidence is currently insufficient to determine the role of this variant in disease. Therefore, it has been classified as a Variant of Uncertain Significance.

NM_014000.3(VCL):c.3047_3050del (p.Ile1016fs)

Gene: VCL (vinculin; plus strand). Cytogenetic location: 10q22.2.
Variant type: Deletion.
Coding change: c.3047_3050del on transcript NM_014000.3 (MANE Select); coding-DNA positions 3047 to 3050, 4 bases deleted (TTCA; older notation c.3047_3050delTTCA).
Protein change: p.Ile1016fs; shifts the reading frame from isoleucine 1016.
Molecular consequence: frameshift variant.
Genome position (GRCh38, 1-based): chr10:74,114,281-74,114,284, TTCA deleted; deleting any 4 consecutive bases within chr10:74,114,278-74,114,284 gives the same sequence; the c. name uses the placement nearest the transcript's 3' end. VCF-style (leftmost placement, unchanged base first): chr10-74114277-CTCAT-C. GRCh37 (hg19) VCF-style: chr10-75874035-CTCAT-C.
Other names: c.2843_2846del, p.Ile948fs (NM_003373.4); short protein forms I1016fs, I948fs.
Identifiers: ClinVar variation 3701577 (VCV003701577.2).